The following is an entry in ClinVar:

ClinVar aggregate classification (germline): Likely benign. Review status: criteria provided, multiple submitters, no conflicts (2 of 4 stars). 6 submissions from 6 submitters: Likely benign (5). 1 of the submissions does not count toward it. Last evaluated 2026-01-26.

Conditions:
PCNT-related disorder. Also called: PCNT-related condition.
Microcephalic osteodysplastic primordial dwarfism type II (MOPD2). Also called: Microcephalic osteodysplastic primordial dwarfism with tooth abnormalities; MOPD II; OSTEODYSPLASTIC PRIMORDIAL DWARFISM, TYPE II. Identifiers: Orphanet 2637, MedGen C0432246, MONDO:0008872, OMIM 210720.

Allele frequency attached by ClinVar (database versions not stated): gnomAD exomes 0.00023 and 0.00057; ExAC 0.00079; 1000 Genomes Project 30x 0.00187; 1000 Genomes Project 0.00200; gnomAD 0.00216 and 0.00238; ESP Exome Variant Server 0.00238; TOPMed 0.00267.
gnomAD v4.1: 686 of 1,612,736 alleles (0.043%); highest among the groups gnomAD compares: African/African-American, 0.8%; 4 homozygotes.

Submissions (6):

Labcorp Genetics (formerly Invitae), Labcorp
Classification: Likely benign. Last evaluated: 2026-01-26. Review status: criteria provided, single submitter. Criteria: Invitae Variant Classification Sherloc (09022015). Collection method: clinical testing. Allele origin: germline.

Blueprint Genetics
Classification: Likely benign. Last evaluated: 2024-11-26. Review status: criteria provided, single submitter. Criteria: ACMG Guidelines, 2015. Collection method: clinical testing. Allele origin: germline.

ARUP Laboratories, Molecular Genetics and Genomics, ARUP Laboratories
Classification: Likely benign for Microcephalic osteodysplastic primordial dwarfism type II. Last evaluated: 2024-09-30. Review status: criteria provided, single submitter. Criteria: ARUP Molecular Germline Variant Investigation Process 2024. Collection method: clinical testing. Allele origin: germline.

Illumina Laboratory Services, Illumina
Classification: Likely benign for Microcephalic osteodysplastic primordial dwarfism type II. Last evaluated: 2018-01-13. Review status: criteria provided, single submitter. Criteria: ICSL Variant Classification Criteria 13 December 2019. Collection method: clinical testing. Allele origin: germline.
Comment: This variant was observed in the ICSL laboratory as part of a predisposition screen in an ostensibly healthy population. It had not been previously curated by ICSL or reported in the Human Gene Mutation Database (HGMD: prior to June 1st, 2018), and was therefore a candidate for classification through an automated scoring system. Utilizing variant allele frequency, disease prevalence and penetrance estimates, and inheritance mode, an automated score was calculated to assess if this variant is too frequent to cause the disease. Based on the score and internal cut-off values, a variant classified as likely benign is not then subjected to further curation. The score for this variant resulted in a classification of likely benign for this disease.

Genetic Services Laboratory, University of Chicago
Classification: Likely benign. Last evaluated: 2014-12-12. Review status: criteria provided, single submitter. Criteria: ACMG Guidelines, 2015. Collection method: clinical testing. Allele origin: germline.

PreventionGenetics, part of Exact Sciences
Classification: Benign for PCNT-related condition. Last evaluated: 2020-03-09. Review status: no assertion criteria provided. Collection method: clinical testing. Allele origin: germline. Not counted in ClinVar's aggregate classification.
Comment: This variant is classified as benign based on ACMG/AMP sequence variant interpretation guidelines (Richards et al. 2015 PMID: 25741868, with internal and published modifications).

NM_006031.6(PCNT):c.8224G>C (p.Glu2742Gln)

Gene: PCNT (pericentrin; plus strand). Cytogenetic location: 21q22.3.
Variant type: single nucleotide variant.
Coding change: c.8224G>C on transcript NM_006031.6 (MANE Select); coding-DNA position 8224, G replaced by C.
Protein change: p.Glu2742Gln; replaces glutamic acid 2742 with glutamine.
Molecular consequence: missense variant.
Genome position (GRCh38, 1-based): chr21:46,431,688, G>C. VCF-style: chr21-46431688-G-C. GRCh37 (hg19) VCF-style: chr21-47851602-G-C.
Other names: c.7870G>C, p.Glu2624Gln (NM_001315529.2); short protein forms E2742Q, E2624Q.
Identifiers: ClinVar variation 138609 (VCV000138609.23), dbSNP rs35557109, ClinGen allele CA173117.